The following is an entry in ClinVar:

ClinVar aggregate classification (germline): Likely pathogenic (1 of 4 stars; one submission).

Conditions:
3-methylcrotonyl-CoA carboxylase 1 deficiency (MCC1D). Also called: MCCD TYPE 1; METHYLCROTONYLGLYCINURIA TYPE I; MCC 1 deficiency; 3 Alpha methylcrotonylglycinuria 1. Identifiers: Orphanet 6, MedGen CN028786, MONDO:0008861, OMIM 210200.

Allele frequency attached by ClinVar (database versions not stated): TOPMed below 0.00001.

Submission:

Labcorp Genetics (formerly Invitae), Labcorp
Classification: Likely pathogenic for 3-methylcrotonyl-CoA carboxylase 1 deficiency. Last evaluated: 2025-01-15. Review status: criteria provided, single submitter. Criteria: Invitae Variant Classification Sherloc (09022015). Collection method: clinical testing. Allele origin: germline.
Comment: This sequence change replaces proline, which is neutral and non-polar, with leucine, which is neutral and non-polar, at codon 152 of the MCCC1 protein (p.Pro152Leu). This variant is not present in population databases (gnomAD no frequency). This missense change has been observed in individual(s) with clinical features of 3 methylcrotonyl-CoA carboxylase deficiency (internal data). In at least one individual the data is consistent with being in trans (on the opposite chromosome) from a pathogenic variant. ClinVar contains an entry for this variant (Variation ID: 834154). Invitae Evidence Modeling of protein sequence and biophysical properties (such as structural, functional, and spatial information, amino acid conservation, physicochemical variation, residue mobility, and thermodynamic stability) indicates that this missense variant is expected to disrupt MCCC1 protein function with a positive predictive value of 95%. In summary, the currently available evidence indicates that the variant is pathogenic, but additional data are needed to prove that conclusively. Therefore, this variant has been classified as Likely Pathogenic.

NM_020166.5(MCCC1):c.455C>T (p.Pro152Leu)

Gene: MCCC1 (methylcrotonyl-CoA carboxylase subunit 1; minus strand). Cytogenetic location: 3q27.1.
Variant type: single nucleotide variant.
Coding change: c.455C>T on transcript NM_020166.5 (MANE Select); coding-DNA position 455, C replaced by T.
Protein change: p.Pro152Leu; replaces proline 152 with leucine.
Molecular consequence: missense variant. On other transcripts: non-coding transcript variant (2), intron variant (1).
Genome position (GRCh38, 1-based): chr3:183,072,402, G>A on the plus strand (C>T on the coding strand, the complement: MCCC1 is on the minus strand). VCF-style: chr3-183072402-G-A. GRCh37 (hg19) VCF-style: chr3-182790190-G-A.
Other names: c.128C>T, p.Pro43Leu (NM_001363880.1); c.141-1045C>T (NM_001293273.2); short protein forms P43L, P152L.
Identifiers: ClinVar variation 834154 (VCV000834154.9), dbSNP rs1182086058, ClinGen allele CA355331034.
Genomic context (GRCh38, chr3:183,072,402, plus strand): 5'-ATTTTAAAAGATATAAACTCATACCTCTTTATACCCATGTCTCTAATTGCAGATGGAGGA[G>A]GGCCTATAAAAATAATTCCTTCTTGCTTACAAAGTTCAGCAAATTCCATGTTTTCTGAGA-3'
Protein context (NP_064551.3, residues 142-162): CKQEGIIFIG[Pro152Leu]PPSAIRDMGI